The following is an entry in ClinVar:

NM_007194.4(CHEK2):c.205C>T (p.Gln69Ter)

Gene: CHEK2 (checkpoint kinase 2; minus strand). Cytogenetic location: 22q12.1.
Variant type: single nucleotide variant.
Coding change: c.205C>T on transcript NM_007194.4 (MANE Select); coding-DNA position 205, C replaced by T.
Protein change: p.Gln69Ter; replaces glutamine 69 with a stop codon.
Molecular consequence: nonsense.
Genome position (GRCh38, 1-based): chr22:28,734,517, G>A on the plus strand (C>T on the coding strand, the complement: CHEK2 is on the minus strand). VCF-style: chr22-28734517-G-A. GRCh37 (hg19) VCF-style: chr22-29130505-G-A.
Other names: c.205C>T, p.Gln69Ter (NM_001005735.3, NM_001349956.3, NM_145862.3); c.-573C>T (NM_001257387.3); short protein forms Q69*.
Identifiers: ClinVar variation 232837 (VCV000232837.17), dbSNP rs768384031, ClinGen allele CA10577648.

ClinVar aggregate classification (germline): Pathogenic/Likely pathogenic. Review status: criteria provided, multiple submitters, no conflicts (2 of 4 stars). 6 submissions from 6 submitters: Pathogenic (4); Likely pathogenic (1). 1 of the submissions does not count toward it. Last evaluated 2025-05-05.

Conditions:
Hereditary cancer-predisposing syndrome. Also called: Neoplastic Syndromes, Hereditary; Tumor predisposition; Hereditary Cancer Syndrome; Hereditary neoplastic syndrome. Identifiers: Orphanet 140162, MedGen C0027672, MeSH D009386, MONDO:0015356.
Familial cancer of breast. Also called: BREAST CANCER, FAMILIAL; hereditary breast carcinoma; Hereditary breast cancer. Identifiers: Orphanet 227535, MedGen C0346153, MONDO:0016419, OMIM 114480. Disease mechanism: loss of function.

Submissions (6):

Labcorp Genetics (formerly Invitae), Labcorp
Classification: Pathogenic for Familial cancer of breast. Last evaluated: 2025-05-05. Review status: criteria provided, single submitter. Criteria: Invitae Variant Classification Sherloc (09022015). Collection method: clinical testing. Allele origin: germline.
Comment: This sequence change creates a premature translational stop signal (p.Gln69*) in the CHEK2 gene. It is expected to result in an absent or disrupted protein product. Loss-of-function variants in CHEK2 are known to be pathogenic (PMID: 21876083, 24713400). This variant is not present in population databases (gnomAD no frequency). This variant has not been reported in the literature in individuals affected with CHEK2-related conditions. ClinVar contains an entry for this variant (Variation ID: 232837). For these reasons, this variant has been classified as Pathogenic.

Baylor Genetics
Classification: Likely pathogenic for Familial cancer of breast. Last evaluated: 2023-08-04. Review status: criteria provided, single submitter. Criteria: ACMG Guidelines, 2015. Collection method: clinical testing. Allele origin: unknown.

Myriad Genetics, Inc.
Classification: Pathogenic for Familial cancer of breast. Last evaluated: 2023-03-08. Review status: criteria provided, single submitter. Criteria: Myriad Autosomal Dominant, Autosomal Recessive and X-Linked Classification Criteria (2023). Collection method: clinical testing. Allele origin: unknown.
Comment: This variant is considered pathogenic. This variant creates a termination codon and is predicted to result in premature protein truncation.

Ambry Genetics
Classification: Pathogenic for Hereditary cancer-predisposing syndrome. Last evaluated: 2022-08-10. Review status: criteria provided, single submitter. Criteria: Ambry Variant Classification Scheme 2023. Collection method: clinical testing. Allele origin: germline.
Comment: The p.Q69* pathogenic mutation (also known as c.205C>T), located in coding exon 1 of the CHEK2 gene, results from a C to T substitution at nucleotide position 205. This changes the amino acid from a glutamine to a stop codon within coding exon 1. This variant is considered to be rare based on population cohorts in the Genome Aggregation Database (gnomAD). This alteration is expected to result in loss of function by premature protein truncation or nonsense-mediated mRNA decay. As such, this alteration is interpreted as a disease-causing mutation.

GeneDx
Classification: Pathogenic. Last evaluated: 2018-06-25. Review status: criteria provided, single submitter. Criteria: GeneDx Variant Classification (06012015). Collection method: clinical testing. Allele origin: germline. Affected: yes.
Comment: This variant is denoted CHEK2 c.205C>T at the cDNA level and p.Gln69Ter (Q69X) at the protein level. The substitution creates a nonsense variant, which changes a Glutamine to a premature stop codon (CAG>TAG), and is predicted to cause loss of normal protein function through either protein truncation or nonsense-mediated mRNA decay. Although this variant has not, to our knowledge, been reported in the literature as a germline variant, it is considered pathogenic.

Counsyl
Classification: Likely pathogenic for Familial cancer of breast. Last evaluated: 2018-04-04. Review status: no assertion criteria provided. Collection method: clinical testing. Allele origin: unknown. Not counted in ClinVar's aggregate classification.

Literature cited by the submitters: PubMed 21876083 (cited by Labcorp Genetics (formerly Invitae), Labcorp); PubMed 24713400 (cited by Labcorp Genetics (formerly Invitae), Labcorp).